The following is an entry in ClinVar:

NM_001330360.2(POLA1):c.1483A>G (p.Met495Val)

Gene: POLA1 (DNA polymerase alpha 1, catalytic subunit; plus strand). Cytogenetic location: Xp22.11.
Variant type: single nucleotide variant.
Coding change: c.1483A>G on transcript NM_001330360.2 (MANE Select); coding-DNA position 1483, A replaced by G.
Protein change: p.Met495Val; replaces methionine 495 with valine.
Molecular consequence: missense variant. On other transcripts: non-coding transcript variant (2).
Genome position (GRCh38, 1-based): chrX:24,727,023, A>G. VCF-style: chrX-24727023-A-G. GRCh37 (hg19) VCF-style: chrX-24745140-A-G.
Other names: c.1408A>G, p.Met470Val (NM_001378303.1); c.1465A>G, p.Met489Val (NM_016937.4); short protein forms M470V, M495V, M489V.
Identifiers: ClinVar variation 2838991 (VCV002838991.3), dbSNP rs1930581876, ClinGen allele CA412533892.

ClinVar aggregate classification (germline): Uncertain significance (1 of 4 stars; one submission).

Submission:

Labcorp Genetics (formerly Invitae), Labcorp
Classification: Uncertain significance. Last evaluated: 2023-07-16. Review status: criteria provided, single submitter. Criteria: Invitae Variant Classification Sherloc (09022015). Collection method: clinical testing. Allele origin: germline.
Comment: In summary, the available evidence is currently insufficient to determine the role of this variant in disease. Therefore, it has been classified as a Variant of Uncertain Significance. Advanced modeling of protein sequence and biophysical properties (such as structural, functional, and spatial information, amino acid conservation, physicochemical variation, residue mobility, and thermodynamic stability) performed at Invitae indicates that this missense variant is not expected to disrupt POLA1 protein function. This variant has not been reported in the literature in individuals affected with POLA1-related conditions. This variant is not present in population databases (gnomAD no frequency). This sequence change replaces methionine, which is neutral and non-polar, with valine, which is neutral and non-polar, at codon 489 of the POLA1 protein (p.Met489Val).